The following is an entry in ClinVar:

ClinVar aggregate classification (germline): Uncertain significance (1 of 4 stars; one submission).

Submission:

Women's Health and Genetics/Laboratory Corporation of America, LabCorp
Classification: Uncertain significance. Last evaluated: 2025-12-31. Review status: criteria provided, single submitter. Criteria: LabCorp Variant Classification Summary - May 2015. Collection method: clinical testing. Allele origin: germline.
Comment: Variant summary: TET3 c.4885G>C (p.Gly1629Arg) results in a non-conservative amino acid change in the encoded protein sequence. Algorithms developed to predict the effect of missense changes on protein structure and function are either unavailable or do not agree on the potential impact of this missense change. The variant was absent in 247168 control chromosomes. The available data on variant occurrences in the general population are insufficient to allow any conclusion about variant significance. To our knowledge, no occurrence of c.4885G>C in individuals affected with TET3-related conditions and no experimental evidence demonstrating its impact on protein function have been reported. No submitters have cited clinical-significance assessments for this variant to ClinVar. Based on the evidence outlined above, the variant was classified as uncertain significance.

NM_001287491.2(TET3):c.4885G>C (p.Gly1629Arg)

Gene: TET3 (tet methylcytosine dioxygenase 3; plus strand). Cytogenetic location: 2p13.1.
Variant type: single nucleotide variant.
Coding change: c.4885G>C on transcript NM_001287491.2 (MANE Select); coding-DNA position 4885, G replaced by C.
Protein change: p.Gly1629Arg; replaces glycine 1629 with arginine.
Molecular consequence: missense variant.
Genome position (GRCh38, 1-based): chr2:74,101,673, G>C. VCF-style: chr2-74101673-G-C. GRCh37 (hg19) VCF-style: chr2-74328800-G-C.
Other names: c.4606G>C, p.Gly1536Arg (NM_001366022.1); short protein forms G1536R, G1629R.
Identifiers: ClinVar variation 4688813 (VCV004688813.1).
Genomic context (GRCh38, chr2:74,101,673, plus strand): 5'-GAGGAGGGGCCGGCTGAGGAGCCCCCCAGCAAGGGAGCGGTGAAGGAGGAGAAGGGCGGT[G>C]GTGGTGCGGAGGAGGAAGAGGAGGAGCTGTGGTCGGACAGTGAACACAACTTCCTGGACG-3'
Protein context (NP_001274420.1, residues 1619-1639): KGAVKEEKGG[Gly1629Arg]GAEEEEEELW